The following is an entry in ClinVar:

ClinVar aggregate classification (germline): Likely benign. Review status: criteria provided, multiple submitters, no conflicts (2 of 4 stars). 4 submissions from 4 submitters: Likely benign (4). Last evaluated 2026-09-01.

Conditions:
Nephronophthisis. Also called: Juvenile Nephronophthisis. Identifiers: Orphanet 655, MedGen C0687120, MONDO:0019005, HP:0000090.
Jeune thoracic dystrophy. Also called: Jeune syndrome; Infantile thoracic dystrophy; Thoracic pelvic phalangeal dystrophy; Jeune's syndrome; Chondroectodermal dysplasia-like syndrome; Short-rib thoracic dysplasia. Identifiers: Orphanet 474, MedGen C0265275, MONDO:0018770.

Allele frequency attached by ClinVar (database versions not stated): ExAC 0.00021; ESP Exome Variant Server 0.00023; gnomAD 0.00024 and 0.00027; gnomAD exomes 0.00030 and 0.00031; TOPMed 0.00030.
gnomAD v4.1: 504 of 1,612,090 alleles (0.031%); highest among the groups gnomAD compares: Middle Eastern, 0.13%; 2 homozygotes.

Submissions (5):

CeGaT Center for Human Genetics Tuebingen
Classification: Likely benign. Last evaluated: 2026-09-01. Review status: criteria provided, single submitter. Criteria: CeGaT Center For Human Genetics Tuebingen Variant Classification Criteria Version 2. Collection method: clinical testing. Allele origin: germline. Affected: yes. Observed: 1 variant allele.
Comment: TTC21B: BP4

Labcorp Genetics (formerly Invitae), Labcorp
Classification: Likely benign for Jeune thoracic dystrophy; Nephronophthisis. Last evaluated: 2025-12-01. Review status: criteria provided, single submitter. Criteria: Invitae Variant Classification Sherloc (09022015). Collection method: clinical testing. Allele origin: germline.

Blueprint Genetics
Classification: Likely benign. Last evaluated: 2024-11-21. Review status: criteria provided, single submitter. Criteria: ACMG Guidelines, 2015. Collection method: clinical testing. Allele origin: germline.

PreventionGenetics, part of Exact Sciences
Classification: Likely benign. Review status: criteria provided, single submitter. Criteria: ACMG Guidelines, 2015. Collection method: clinical testing. Allele origin: germline.

Dr. Peter K. Rogan Lab, Western University
No classification provided (evidence only). Condition: Ovarian serous cystadenocarcinoma. Review status: no classification provided. Collection method: in vitro. Allele origin: not applicable. Functional consequence: retained intron. Not counted in ClinVar's aggregate classification.

NM_024753.5(TTC21B):c.429+6T>C

Genes: TTC21B (tetratricopeptide repeat domain 21B; minus strand), TTC21B-AS1 (TTC21B antisense RNA 1; plus strand). Cytogenetic location: 2q24.3.
Variant type: single nucleotide variant.
Coding change: c.429+6T>C on transcript NM_024753.5 (MANE Select); 6 bases into the intron after coding-DNA position 429, T replaced by C.
Molecular consequence: intron variant.
Genome position (GRCh38, 1-based): chr2:165,945,518, A>G on the plus strand (T>C on the coding strand, the complement: TTC21B is on the minus strand). VCF-style: chr2-165945518-A-G. GRCh37 (hg19) VCF-style: chr2-166802028-A-G.
Identifiers: ClinVar variation 261783 (VCV000261783.13), dbSNP rs377395392, ClinGen allele CA1942453.
Genomic context (GRCh38, chr2:165,945,518, plus strand): 5'-TACTGGATATATCAATAACATAAGCATTTTTTAATGTTATTATTTTAAACTCAGAAAAAT[A>G]GCTACCTGTTTACTACCATCTGATATTTTGATCATTCTGTCAATATATTCCCTTGCTTTA-3'